The following is an entry in ClinVar:

NM_000465.4(BARD1):c.1061C>G (p.Ser354Ter)

Gene: BARD1 (BRCA1 associated RING domain 1; minus strand). Cytogenetic location: 2q35.
Variant type: single nucleotide variant.
Coding change: c.1061C>G on transcript NM_000465.4 (MANE Select); coding-DNA position 1061, C replaced by G.
Protein change: p.Ser354Ter; replaces serine 354 with a stop codon.
Molecular consequence: nonsense. On other transcripts: non-coding transcript variant (2), intron variant (3).
Genome position (GRCh38, 1-based): chr2:214,780,813, G>C on the plus strand (C>G on the coding strand, the complement: BARD1 is on the minus strand). VCF-style: chr2-214780813-G-C. GRCh37 (hg19) VCF-style: chr2-215645537-G-C.
Other names: c.1004C>G, p.Ser335Ter (NM_001282543.2); c.159-28258C>G (NM_001282548.2); c.215+16248C>G (NM_001282545.2); c.364+11484C>G (NM_001282549.2); short protein forms S354*, S335*.
Identifiers: ClinVar variation 185916 (VCV000185916.18), dbSNP rs786202559, ClinGen allele CA193360.

ClinVar aggregate classification (germline): Pathogenic/Likely pathogenic. Review status: criteria provided, multiple submitters, no conflicts (2 of 4 stars). 5 submissions from 5 submitters: Pathogenic (3); Likely pathogenic (2). Last evaluated 2025-11-13.

Conditions:
Hereditary cancer-predisposing syndrome. Also called: Hereditary neoplastic syndrome; Neoplastic Syndromes, Hereditary; Tumor predisposition; Hereditary Cancer Syndrome. Identifiers: Orphanet 140162, MedGen C0027672, MeSH D009386, MONDO:0015356.
Familial cancer of breast. Also called: BREAST CANCER, FAMILIAL; Hereditary breast cancer; hereditary breast carcinoma. Identifiers: Orphanet 227535, MedGen C0346153, MONDO:0016419, OMIM 114480. Disease mechanism: loss of function.

Allele frequency attached by ClinVar (database versions not stated): TOPMed below 0.00001.

Submissions (5):

Labcorp Genetics (formerly Invitae), Labcorp
Classification: Pathogenic for Familial cancer of breast. Last evaluated: 2025-11-13. Review status: criteria provided, single submitter. Criteria: Invitae Variant Classification Sherloc (09022015). Collection method: clinical testing. Allele origin: germline.
Comment: This sequence change creates a premature translational stop signal (p.Ser354*) in the BARD1 gene. It is expected to result in an absent or disrupted protein product. Loss-of-function variants in BARD1 are known to be pathogenic (PMID: 20077502, 21344236). This variant is not present in population databases (gnomAD no frequency). This variant has not been reported in the literature in individuals affected with BARD1-related conditions. ClinVar contains an entry for this variant (Variation ID: 185916). For these reasons, this variant has been classified as Pathogenic.

GeneDx
Classification: Likely pathogenic. Last evaluated: 2024-07-12. Review status: criteria provided, single submitter. Criteria: GeneDx Variant Classification Process June 2021. Collection method: clinical testing. Allele origin: germline. Affected: yes.
Comment: Nonsense variant predicted to result in protein truncation or nonsense mediated decay in a gene for which loss of function is a known mechanism of disease; Not observed at significant frequency in large population cohorts (gnomAD); Observed in an individual with breast cancer (PMID: 32427313); This variant is associated with the following publications: (PMID: 29292755, 32427313)

Baylor Genetics
Classification: Likely pathogenic for Familial cancer of breast. Last evaluated: 2023-07-06. Review status: criteria provided, single submitter. Criteria: ACMG Guidelines, 2015. Collection method: clinical testing. Allele origin: unknown.

Ambry Genetics
Classification: Pathogenic for Hereditary cancer-predisposing syndrome. Last evaluated: 2023-06-29. Review status: criteria provided, single submitter. Criteria: Ambry Variant Classification Scheme 2023. Collection method: clinical testing. Allele origin: germline.
Comment: The p.S354* pathogenic mutation (also known as c.1061C>G), located in coding exon 4 of the BARD1 gene, results from a C to G substitution at nucleotide position 1061. This changes the amino acid from a serine to a stop codon within coding exon 4. This alteration is expected to result in loss of function by premature protein truncation or nonsense-mediated mRNA decay. As such, this alteration is interpreted as a disease-causing mutation.

Myriad Genetics, Inc.
Classification: Pathogenic for Familial cancer of breast. Last evaluated: 2023-05-22. Review status: criteria provided, single submitter. Criteria: Myriad Autosomal Dominant, Autosomal Recessive and X-Linked Classification Criteria (2023). Collection method: clinical testing. Allele origin: unknown.
Comment: This variant is considered pathogenic. This variant creates a termination codon and is predicted to result in premature protein truncation.

Literature cited by the submitters: PubMed 20077502 (cited by Labcorp Genetics (formerly Invitae), Labcorp); PubMed 21344236 (cited by Labcorp Genetics (formerly Invitae), Labcorp).